The following is an entry in ClinVar:

NM_001042492.3(NF1):c.6587_6588delinsGAGACAAAAATCATGTTTTTGTATTAATAAAATGAAAAAGATTCGATAATGGCATGGTATTACCATCCAGTTCTAAAGTGGTTTAATTCTGTGATTTGAGTACAAAGGTATGCCAGACTTGGGAGAGATAACAGAGAAATAATACCTGTTATATTCCTGGTTTGTCTACAAGCATCCTAATTTTGTATTATACAAAGCAAAGTATA (p.Thr2196delinsArgAspLysAsnHisValPheValLeuIleLysTer)

Gene: NF1 (neurofibromin 1; plus strand). Cytogenetic location: 17q11.2.
Variant type: Indel.
Coding change: c.6587_6588delinsGAGACAAAAATCATGTTTTTGTATTAATAAAATGAAAAAGATTCGATAATGGCATGGTATTACCATCCAGTTCTAAAGTGGTTTAATTCTGTGATTTGAGTACAAAGGTATGCCAGACTTGGGAGAGATAACAGAGAAATAATACCTGTTATATTCCTGGTTTGTCTACAAGCATCCTAATTTTGTATTATACAAAGCAAAGTATA on transcript NM_001042492.3 (MANE Select); coding-DNA positions 6587 to 6588, the reference bases replaced by an inserted sequence.
Protein change: p.Thr2196delinsArgAspLysAsnHisValPheValLeuIleLysTer.
Molecular consequence: nonsense.
Genome position (GRCh38, 1-based): chr17:31,337,527-31,337,528, 2 bases replaced. GRCh37 (hg19): chr17:29,664,545-29,664,546.
Other names: c.6524_6525delCTinsGAGACAAAAATCATGTTTTTGTATTAATAAAATGAAAAAGATTCGATAATGGCATGGTATTACCATCCAGTTCTAAAGTGGTTTAATTCTGTGATTTGAGTACAAAGGTATGCCAGACTTGGGAGAGATAACAGAGAAATAATACCTGTTATATTCCTGGTTTGTCTACAAGCATCCTAATTTTGTATTATACAAAGCAAAGTATA, p.Thr2175_Ser2509delinsArgAspLysAsnHisValPheValLeuIleLysTer (NM_000267.4).
Identifiers: ClinVar variation 2853294 (VCV002853294.3), dbSNP rs2508754245, ClinGen allele CA2739267425.

ClinVar aggregate classification (germline): Pathogenic (1 of 4 stars; one submission).

Conditions:
Neurofibromatosis, type 1 (NF1). Also called: VON RECKLINGHAUSEN DISEASE; Neurofibromatosis, type I; Peripheral type neurofibromatosis; NEUROFIBROMATOSIS, TYPE I, SOMATIC. Identifiers: Orphanet 636, MedGen C0027831, MONDO:0018975, OMIM 162200. Disease mechanism: loss of function.

Submission:

Labcorp Genetics (formerly Invitae), Labcorp
Classification: Pathogenic for Neurofibromatosis, type 1. Last evaluated: 2023-04-20. Review status: criteria provided, single submitter. Criteria: Invitae Variant Classification Sherloc (09022015). Collection method: clinical testing. Allele origin: germline.
Comment: This variant has not been reported in the literature in individuals affected with NF1-related conditions. For these reasons, this variant has been classified as Pathogenic. This variant is not present in population databases (gnomAD no frequency). This sequence change creates a premature translational stop signal (p.Thr2175delinsArgAspLysAsnHisValPheValLeuIleLys*) in the NF1 gene. It is expected to result in an absent or disrupted protein product. Loss-of-function variants in NF1 are known to be pathogenic (PMID: 10712197, 23913538).

Literature cited by the submitters: PubMed 10712197; PubMed 23913538.